The following is an entry in ClinVar:

NM_022041.4(GAN):c.884T>C (p.Met295Thr)

Gene: GAN (gigaxonin; plus strand). Cytogenetic location: 16q23.2.
Variant type: single nucleotide variant.
Coding change: c.884T>C on transcript NM_022041.4 (MANE Select); coding-DNA position 884, T replaced by C.
Protein change: p.Met295Thr; replaces methionine 295 with threonine.
Molecular consequence: missense variant.
Genome position (GRCh38, 1-based): chr16:81,357,842, T>C. VCF-style: chr16-81357842-T-C. GRCh37 (hg19) VCF-style: chr16-81391447-T-C.
Other names: c.245T>C, p.Met82Thr (NM_001377486.1); short protein forms M295T, M82T.
Identifiers: ClinVar variation 654735 (VCV000654735.6), dbSNP rs747687913, ClinGen allele CA8191530.
Genomic context (GRCh38, chr16:81,357,842, plus strand): 5'-ACTACTGATCACTTATTTACTTCCTTAGTTCACGGAAACCCACAGCAGCGATGCGATGCA[T>C]GTGCCCTCTCTATGACCCTAACAGGCAGCTTTGGATCGAACTGGCCCCTTTAAGCATGCC-3'
Protein context (NP_071324.1, residues 285-305): SRKPTAAMRC[Met295Thr]CPLYDPNRQL

ClinVar aggregate classification (germline): Uncertain significance (1 of 4 stars; one submission).

Conditions:
Giant axonal neuropathy 1 (GAN1). Also called: GIANT AXONAL NEUROPATHY 1, AUTOSOMAL RECESSIVE; GAN-Related Neurodegeneration. Identifiers: Orphanet 643, MedGen C1850386, MONDO:0009749, OMIM 256850.

Allele frequency attached by ClinVar (database versions not stated): gnomAD exomes below 0.00001; ExAC 0.00001; gnomAD 0.00001; TOPMed 0.00002.
gnomAD v4.1: 5 of 1,613,254 alleles (0.00031%); highest among the groups gnomAD compares: Non-Finnish European, 0.00042%; no homozygotes.

Submission:

Labcorp Genetics (formerly Invitae), Labcorp
Classification: Uncertain significance for Giant axonal neuropathy 1. Last evaluated: 2021-05-16. Review status: criteria provided, single submitter. Criteria: Invitae Variant Classification Sherloc (09022015). Collection method: clinical testing. Allele origin: germline.
Comment: In summary, the available evidence is currently insufficient to determine the role of this variant in disease. Therefore, it has been classified as a Variant of Uncertain Significance. Algorithms developed to predict the effect of missense changes on protein structure and function are either unavailable or do not agree on the potential impact of this missense change (SIFT: "Deleterious"; PolyPhen-2: "Benign"; Align-GVGD: "Class C45"). This variant has not been reported in the literature in individuals with GAN-related conditions. This variant is present in population databases (rs747687913, ExAC 0.001%). This sequence change replaces methionine with threonine at codon 295 of the GAN protein (p.Met295Thr). The methionine residue is highly conserved and there is a moderate physicochemical difference between methionine and threonine.